The following is an entry in ClinVar:

ClinVar aggregate classification (germline): Uncertain significance. Review status: criteria provided, multiple submitters, no conflicts (2 of 4 stars). 2 submissions from 2 submitters: Uncertain significance (2). Last evaluated 2025-01-11.

Conditions:
Familial thoracic aortic aneurysm and aortic dissection (TAAD). Also called: Thoracic aortic aneurysms and dissections. Identifiers: Orphanet 91387, MedGen C4707243, MONDO:0019625.
Adams-Oliver syndrome 5 (AOS5). Identifiers: Orphanet 974, MedGen C4014970, MONDO:0014459, OMIM 616028.

gnomAD v4.1: 1 of 1,575,440 alleles (0.000063%); highest among the groups gnomAD compares: Non-Finnish European, 0.000086%; no homozygotes.

Submissions (2):

Ambry Genetics
Classification: Uncertain significance for Familial thoracic aortic aneurysm and aortic dissection. Last evaluated: 2025-01-11. Review status: criteria provided, single submitter. Criteria: Ambry Variant Classification Scheme 2023. Collection method: clinical testing. Allele origin: germline.
Comment: The p.N41H variant (also known as c.121A>C), located in coding exon 2 of the NOTCH1 gene, results from an A to C substitution at nucleotide position 121. The asparagine at codon 41 is replaced by histidine, an amino acid with similar properties. This amino acid position is conserved. In addition, this alteration is predicted to be tolerated by in silico analysis. Based on the available evidence, the clinical significance of this variant remains unclear.

Labcorp Genetics (formerly Invitae), Labcorp
Classification: Uncertain significance for Adams-Oliver syndrome 5. Last evaluated: 2024-09-17. Review status: criteria provided, single submitter. Criteria: Invitae Variant Classification Sherloc (09022015). Collection method: clinical testing. Allele origin: germline.
Comment: This sequence change replaces asparagine, which is neutral and polar, with histidine, which is basic and polar, at codon 41 of the NOTCH1 protein (p.Asn41His). This variant is not present in population databases (gnomAD no frequency). This variant has not been reported in the literature in individuals affected with NOTCH1-related conditions. Invitae Evidence Modeling of protein sequence and biophysical properties (such as structural, functional, and spatial information, amino acid conservation, physicochemical variation, residue mobility, and thermodynamic stability) indicates that this missense variant is not expected to disrupt NOTCH1 protein function with a negative predictive value of 95%. In summary, the available evidence is currently insufficient to determine the role of this variant in disease. Therefore, it has been classified as a Variant of Uncertain Significance.

NM_017617.5(NOTCH1):c.121A>C (p.Asn41His)

Gene: NOTCH1 (notch receptor 1; minus strand). Cytogenetic location: 9q34.3.
Variant type: single nucleotide variant.
Coding change: c.121A>C on transcript NM_017617.5 (MANE Select); coding-DNA position 121, A replaced by C.
Protein change: p.Asn41His; replaces asparagine 41 with histidine.
Molecular consequence: missense variant.
Genome position (GRCh38, 1-based): chr9:136,544,043, T>G on the plus strand (A>C on the coding strand, the complement: NOTCH1 is on the minus strand). VCF-style: chr9-136544043-T-G. GRCh37 (hg19) VCF-style: chr9-139438495-T-G.
Other names: c.121A>C (NM_017617.3); short protein forms N41H.
Identifiers: ClinVar variation 3706596 (VCV003706596.3).
Genomic context (GRCh38, chr9:136,544,043, plus strand): 5'-GCCCTCGACAAAGCAACAGGTCCCGCAGGGGTGGTACTCACACGCAGGCCTCCGTGCCAT[T>G]GGCCGCTTCACACTTCCCGCCATTCAGGCAGGTCTCACCGGGCTGGGAGCATCGCGGGCC-3'
Protein context (NP_060087.3, residues 31-51): CLNGGKCEAA[Asn41His]GTEACVCGGA